The following is an entry in ClinVar:

NM_001099274.3(TINF2):c.640C>T (p.Pro214Ser)

Gene: TINF2 (TERF1 interacting nuclear factor 2; minus strand). Cytogenetic location: 14q12.
Variant type: single nucleotide variant.
Coding change: c.640C>T on transcript NM_001099274.3 (MANE Select); coding-DNA position 640, C replaced by T.
Protein change: p.Pro214Ser; replaces proline 214 with serine.
Molecular consequence: missense variant.
Genome position (GRCh38, 1-based): chr14:24,240,840, G>A on the plus strand (C>T on the coding strand, the complement: TINF2 is on the minus strand). VCF-style: chr14-24240840-G-A. GRCh37 (hg19) VCF-style: chr14-24710046-G-A.
Other names: c.535C>T, p.Pro179Ser (NM_001363668.2); c.640C>T, p.Pro214Ser (NM_012461.3); short protein forms P214S, P179S.
Identifiers: ClinVar variation 647633 (VCV000647633.11), dbSNP rs372610524, ClinGen allele CA7130588.

ClinVar aggregate classification (germline): Uncertain significance. Review status: criteria provided, multiple submitters, no conflicts (2 of 4 stars). 3 submissions from 3 submitters: Uncertain significance (3). Last evaluated 2025-12-29.

Conditions:
Dyskeratosis congenita. Identifiers: Orphanet 1775, MedGen C0265965, MONDO:0015780.

Allele frequency attached by ClinVar (database versions not stated): gnomAD exomes 0.00002; ExAC 0.00003; gnomAD 0.00003; TOPMed 0.00003; ESP Exome Variant Server 0.00008; 1000 Genomes Project 30x 0.00016; 1000 Genomes Project 0.00020.

Submissions (3):

Center for Genomic Medicine, Rigshospitalet, Copenhagen University Hospital
Classification: Uncertain significance. Last evaluated: 2025-12-29. Review status: criteria provided, single submitter. Criteria: ACMG Guidelines, 2015. Collection method: clinical testing. Allele origin: germline.

Labcorp Genetics (formerly Invitae), Labcorp
Classification: Uncertain significance for Dyskeratosis congenita. Last evaluated: 2025-09-05. Review status: criteria provided, single submitter. Criteria: Invitae Variant Classification Sherloc (09022015). Collection method: clinical testing. Allele origin: germline.
Comment: This sequence change replaces proline, which is neutral and non-polar, with serine, which is neutral and polar, at codon 214 of the TINF2 protein (p.Pro214Ser). This variant is present in population databases (rs372610524, gnomAD 0.007%), including at least one homozygous and/or hemizygous individual. This missense change has been observed in individual(s) with bone marrow failure (PMID: 21199492). ClinVar contains an entry for this variant (Variation ID: 647633). An algorithm developed to predict the effect of missense changes on protein structure and function outputs the following: PolyPhen-2: "Benign". The serine amino acid residue is found in multiple mammalian species, which suggests that this missense change does not adversely affect protein function. In summary, the available evidence is currently insufficient to determine the role of this variant in disease. Therefore, it has been classified as a Variant of Uncertain Significance.

Breakthrough Genomics
Classification: Uncertain significance. Review status: criteria provided, single submitter. Criteria: ACMG Guidelines, 2015. Collection method: not provided. Allele origin: germline. Inheritance: Autosomal dominant inheritance. Affected: yes.

Literature cited by the submitters: PubMed 21199492 (cited by Labcorp Genetics (formerly Invitae), Labcorp).